The following is an entry in ClinVar:

ClinVar aggregate classification (germline): Uncertain significance. Review status: criteria provided, multiple submitters, no conflicts (2 of 4 stars). 2 submissions from 2 submitters: Uncertain significance (2). Last evaluated 2024-09-10.

Conditions:
Autosomal dominant Parkinson disease 8. Also called: Parkinson disease 8, susceptibility to; LRRK2-Related Parkinson Disease; Parkinson disease 8. Identifiers: Orphanet 411602, MedGen C1846862, MONDO:0011764, OMIM 607060.

gnomAD v4.1: 183 of 1,611,314 alleles (0.011%); highest among the groups gnomAD compares: Non-Finnish European, 0.015%; no homozygotes.

Submissions (2):

Women's Health and Genetics/Laboratory Corporation of America, LabCorp
Classification: Uncertain significance. Last evaluated: 2024-09-10. Review status: criteria provided, single submitter. Criteria: LabCorp Variant Classification Summary - May 2015. Collection method: clinical testing. Allele origin: germline.
Comment: Variant summary: LRRK2 c.1102-3C>T alters a conserved nucleotide located close to a canonical splice site and therefore could affect mRNA splicing, leading to a significantly altered protein sequence. Consensus agreement among computation tools predict no significant impact on normal splicing. However, these predictions have yet to be confirmed by functional studies. The variant allele was found at a frequency of 6.9e-05 in 247338 control chromosomes. This frequency is not significantly higher than estimated for a pathogenic variant in LRRK2 causing Parkinson Disease 8, Autosomal Dominant, allowing no conclusion about variant significance. To our knowledge, no occurrence of c.1102-3C>T in individuals affected with Parkinson Disease 8, Autosomal Dominant and no experimental evidence demonstrating its impact on protein function have been reported. No submitters have cited clinical-significance assessments for this variant to ClinVar. Based on the evidence outlined above, the variant was classified as uncertain significance.

Labcorp Genetics (formerly Invitae), Labcorp
Classification: Uncertain significance for Autosomal dominant Parkinson disease 8. Last evaluated: 2024-05-21. Review status: criteria provided, single submitter. Criteria: Invitae Variant Classification Sherloc (09022015). Collection method: clinical testing. Allele origin: germline.
Comment: This sequence change falls in intron 9 of the LRRK2 gene. It does not directly change the encoded amino acid sequence of the LRRK2 protein. It affects a nucleotide within the consensus splice site. This variant is present in population databases (rs199611108, gnomAD 0.01%). This variant has not been reported in the literature in individuals affected with LRRK2-related conditions. Variants that disrupt the consensus splice site are a relatively common cause of aberrant splicing (PMID: 17576681, 9536098). Algorithms developed to predict the effect of sequence changes on RNA splicing suggest that this variant is not likely to affect RNA splicing. In summary, the available evidence is currently insufficient to determine the role of this variant in disease. Therefore, it has been classified as a Variant of Uncertain Significance.

Literature cited by the submitters: PubMed 17576681 (cited by Labcorp Genetics (formerly Invitae), Labcorp); PubMed 9536098 (cited by Labcorp Genetics (formerly Invitae), Labcorp).

NM_198578.4(LRRK2):c.1102-3C>T

Gene: LRRK2 (leucine rich repeat kinase 2; plus strand). Cytogenetic location: 12q12.
Variant type: single nucleotide variant.
Coding change: c.1102-3C>T on transcript NM_198578.4 (MANE Select); 3 bases into the intron before coding-DNA position 1102, C replaced by T.
Molecular consequence: intron variant.
Genome position (GRCh38, 1-based): chr12:40,251,462, C>T. VCF-style: chr12-40251462-C-T. GRCh37 (hg19) VCF-style: chr12-40645264-C-T.
Identifiers: ClinVar variation 3374915 (VCV003374915.3).